The following is an entry in ClinVar:

NM_145176.3(SLC2A12):c.1296G>T (p.Thr432=)

Gene: SLC2A12 (solute carrier family 2 member 12; minus strand). Cytogenetic location: 6q23.2.
Variant type: single nucleotide variant.
Coding change: c.1296G>T on transcript NM_145176.3 (MANE Select); coding-DNA position 1296, G replaced by T.
Protein change: p.Thr432=; no amino-acid change (threonine 432 retained).
Molecular consequence: synonymous variant.
Genome position (GRCh38, 1-based): chr6:134,028,529, C>A on the plus strand (G>T on the coding strand, the complement: SLC2A12 is on the minus strand). VCF-style: chr6-134028529-C-A. GRCh37 (hg19) VCF-style: chr6-134349667-C-A.
Identifiers: ClinVar variation 2656921 (VCV002656921.24), dbSNP rs370039057, ClinGen allele CA452429051.

ClinVar aggregate classification (germline): Likely benign (1 of 4 stars; one submission).

Submission:

CeGaT Center for Human Genetics Tuebingen
Classification: Likely benign. Last evaluated: 2023-03-01. Review status: criteria provided, single submitter. Criteria: CeGaT Center For Human Genetics Tuebingen Variant Classification Criteria Version 2. Collection method: clinical testing. Allele origin: germline. Affected: yes. Observed: 1 variant allele.
Comment: SLC2A12: PM2:Supporting, BP4, BP7